The following is an entry in ClinVar:

ClinVar aggregate classification (germline): Uncertain significance (1 of 4 stars; one submission).

gnomAD v4.1: 1 of 1,613,514 alleles (0.000062%); highest among the groups gnomAD compares: Non-Finnish European, 0.000085%; no homozygotes.

Submission:

Labcorp Genetics (formerly Invitae), Labcorp
Classification: Uncertain significance. Last evaluated: 2024-07-02. Review status: criteria provided, single submitter. Criteria: Invitae Variant Classification Sherloc (09022015). Collection method: clinical testing. Allele origin: germline.
Comment: This sequence change replaces glutamic acid, which is acidic and polar, with aspartic acid, which is acidic and polar, at codon 2683 of the HMCN1 protein (p.Glu2683Asp). This variant is present in population databases (rs544853879, gnomAD 0.0009%). This variant has not been reported in the literature in individuals affected with HMCN1-related conditions. An algorithm developed to predict the effect of missense changes on protein structure and function (PolyPhen-2) suggests that this variant is likely to be disruptive. In summary, the available evidence is currently insufficient to determine the role of this variant in disease. Therefore, it has been classified as a Variant of Uncertain Significance.

NM_031935.3(HMCN1):c.8049A>T (p.Glu2683Asp)

Gene: HMCN1 (hemicentin 1; plus strand). Cytogenetic location: 1q31.1.
Variant type: single nucleotide variant.
Coding change: c.8049A>T on transcript NM_031935.3 (MANE Select); coding-DNA position 8049, A replaced by T.
Protein change: p.Glu2683Asp; replaces glutamic acid 2683 with aspartic acid.
Molecular consequence: missense variant.
Genome position (GRCh38, 1-based): chr1:186,070,667, A>T. VCF-style: chr1-186070667-A-T. GRCh37 (hg19) VCF-style: chr1-186039799-A-T.
Other names: short protein forms E2683D.
Identifiers: ClinVar variation 3688659 (VCV003688659.2).